The following is an entry in ClinVar:

ClinVar aggregate classification (germline): Uncertain significance (1 of 4 stars; one submission).

Conditions:
Arrhythmogenic right ventricular dysplasia 8 (ARVD8). Also called: Arrhythmogenic Right Ventricular Dysplasia/Cardiomyopathy 8; ARRHYTHMOGENIC RIGHT VENTRICULAR DYSPLASIA, FAMILIAL, 8; ARRHYTHMOGENIC RIGHT VENTRICULAR CARDIOMYOPATHY 8. Identifiers: MedGen C1843896, MONDO:0011831, OMIM 607450.
Arrhythmogenic cardiomyopathy with wooly hair and keratoderma. Also called: PALMOPLANTAR KERATODERMA WITH LEFT VENTRICULAR CARDIOMYOPATHY AND WOOLLY HAIR; Arrhythmogenic cardiomyopathy with woolly hair and keratoderma; Carvajal syndrome; Dilated cardiomyopathy with woolly hair and keratoderma. Identifiers: Orphanet 65282, MedGen C1854063, MONDO:0011581, OMIM 605676.

Submission:

Labcorp Genetics (formerly Invitae), Labcorp
Classification: Uncertain significance for Arrhythmogenic cardiomyopathy with wooly hair and keratoderma; Arrhythmogenic right ventricular dysplasia 8. Last evaluated: 2025-03-26. Review status: criteria provided, single submitter. Criteria: Invitae Variant Classification Sherloc (09022015). Collection method: clinical testing. Allele origin: germline.
Comment: This sequence change replaces serine, which is neutral and polar, with arginine, which is basic and polar, at codon 2383 of the DSP protein (p.Ser2383Arg). This variant is not present in population databases (gnomAD no frequency). This variant has not been reported in the literature in individuals affected with DSP-related conditions. An algorithm developed to predict the effect of missense changes on protein structure and function (PolyPhen-2) suggests that this variant is likely to be disruptive. In summary, the available evidence is currently insufficient to determine the role of this variant in disease. Therefore, it has been classified as a Variant of Uncertain Significance.

NM_004415.4(DSP):c.7149C>G (p.Ser2383Arg)

Gene: DSP (desmoplakin; plus strand). Cytogenetic location: 6p24.3.
Variant type: single nucleotide variant.
Coding change: c.7149C>G on transcript NM_004415.4 (MANE Select); coding-DNA position 7149, C replaced by G.
Protein change: p.Ser2383Arg; replaces serine 2383 with arginine.
Molecular consequence: missense variant.
Genome position (GRCh38, 1-based): chr6:7,584,411, C>G. VCF-style: chr6-7584411-C-G. GRCh37 (hg19) VCF-style: chr6-7584644-C-G.
Other names: c.5352C>G, p.Ser1784Arg (NM_001008844.3); c.5820C>G, p.Ser1940Arg (NM_001319034.2); short protein forms S1784R, S1940R, S2383R.
Identifiers: ClinVar variation 4782573 (VCV004782573.1).